The following is an entry in ClinVar:

NM_024675.4(PALB2):c.36G>C (p.Glu12Asp)

Gene: PALB2 (partner and localizer of BRCA2; minus strand). Cytogenetic location: 16p12.2.
Variant type: single nucleotide variant.
Coding change: c.36G>C on transcript NM_024675.4 (MANE Select); coding-DNA position 36, G replaced by C.
Protein change: p.Glu12Asp; replaces glutamic acid 12 with aspartic acid.
Molecular consequence: missense variant.
Genome position (GRCh38, 1-based): chr16:23,641,122, C>G on the plus strand (G>C on the coding strand, the complement: PALB2 is on the minus strand). VCF-style: chr16-23641122-C-G. GRCh37 (hg19) VCF-style: chr16-23652443-C-G.
Other names: short protein forms E12D.
Identifiers: ClinVar variation 492222 (VCV000492222.16), dbSNP rs760609798, ClinGen allele CA395141064.

ClinVar aggregate classification (germline): Uncertain significance. Review status: criteria provided, multiple submitters, no conflicts (2 of 4 stars). 3 submissions from 3 submitters: Uncertain significance (3). Last evaluated 2025-08-20.

Conditions:
Hereditary cancer-predisposing syndrome. Also called: Hereditary neoplastic syndrome; Tumor predisposition; Hereditary Cancer Syndrome; Neoplastic Syndromes, Hereditary. Identifiers: Orphanet 140162, MedGen C0027672, MeSH D009386, MONDO:0015356.
Familial cancer of breast. Also called: Hereditary breast cancer; hereditary breast carcinoma; BREAST CANCER, FAMILIAL. Identifiers: Orphanet 227535, MedGen C0346153, MONDO:0016419, OMIM 114480. Disease mechanism: loss of function.

Submissions (3):

Ambry Genetics
Classification: Uncertain significance for Hereditary cancer-predisposing syndrome. Last evaluated: 2025-08-20. Review status: criteria provided, single submitter. Criteria: Ambry Variant Classification Scheme 2023. Collection method: clinical testing. Allele origin: germline.
Comment: The p.E12D variant (also known as c.36G>C), located in coding exon 1 of the PALB2 gene, results from a G to C substitution at nucleotide position 36. The glutamic acid at codon 12 is replaced by aspartic acid, an amino acid with highly similar properties. This amino acid position is conserved. In addition, this alteration is predicted to be tolerated by in silico analysis. Based on the available evidence, the clinical significance of this variant remains unclear.

Color Diagnostics, LLC DBA Color Health
Classification: Uncertain significance for Hereditary cancer-predisposing syndrome. Last evaluated: 2023-12-05. Review status: criteria provided, single submitter. Criteria: ACMG Guidelines, 2015. Collection method: clinical testing. Allele origin: germline.
Comment: This missense variant replaces glutamic acid with aspartic acid at codon 12 of the PALB2 protein. Computational prediction suggests that this variant may not impact protein structure and function (internally defined REVEL score threshold <= 0.5, PMID: 27666373). To our knowledge, functional studies have not been reported for this variant. This variant has not been reported in individuals affected with PALB2-related disorders in the literature. This variant has not been identified in the general population by the Genome Aggregation Database (gnomAD). The available evidence is insufficient to determine the role of this variant in disease conclusively. Therefore, this variant is classified as a Variant of Uncertain Significance.

Labcorp Genetics (formerly Invitae), Labcorp
Classification: Uncertain significance for Familial cancer of breast. Last evaluated: 2023-08-09. Review status: criteria provided, single submitter. Criteria: Invitae Variant Classification Sherloc (09022015). Collection method: clinical testing. Allele origin: germline.
Comment: Algorithms developed to predict the effect of sequence changes on RNA splicing suggest that this variant may disrupt the consensus splice site. In summary, the available evidence is currently insufficient to determine the role of this variant in disease. Therefore, it has been classified as a Variant of Uncertain Significance. An algorithm developed to predict the effect of missense changes on protein structure and function (PolyPhen-2) suggests that this variant is likely to be disruptive. This sequence change replaces glutamic acid, which is acidic and polar, with aspartic acid, which is acidic and polar, at codon 12 of the PALB2 protein (p.Glu12Asp). This variant is not present in population databases (gnomAD no frequency). This variant has not been reported in the literature in individuals affected with PALB2-related conditions. ClinVar contains an entry for this variant (Variation ID: 492222).